The following is an entry in ClinVar:

NM_004380.3(CREBBP):c.1063C>A (p.Gln355Lys)

Gene: CREBBP (CREB binding lysine acetyltransferase; minus strand). Cytogenetic location: 16p13.3.
Variant type: single nucleotide variant.
Coding change: c.1063C>A on transcript NM_004380.3 (MANE Select); coding-DNA position 1063, C replaced by A.
Protein change: p.Gln355Lys; replaces glutamine 355 with lysine.
Molecular consequence: missense variant.
Genome position (GRCh38, 1-based): chr16:3,793,539, G>T on the plus strand (C>A on the coding strand, the complement: CREBBP is on the minus strand). VCF-style: chr16-3793539-G-T. GRCh37 (hg19) VCF-style: chr16-3843540-G-T.
Other names: c.1063C>A, p.Gln355Lys (NM_001079846.1); short protein forms Q355K.
Identifiers: ClinVar variation 3349240 (VCV003349240.1).

ClinVar aggregate classification (germline): Uncertain significance (0 of 4 stars; one submission).

Conditions:
CREBBP-related disorder. Also called: CREBBP-related condition; CREBBP-related disorders.

Submission:

PreventionGenetics, part of Exact Sciences
Classification: Uncertain significance for CREBBP-related condition. Last evaluated: 2023-11-03. Review status: no assertion criteria provided. Collection method: clinical testing. Allele origin: germline.
Comment: The CREBBP c.1063C>A variant is predicted to result in the amino acid substitution p.Gln355Lys. To our knowledge, this variant has not been reported in the literature or in a large population database, indicating this variant is rare. At this time, the clinical significance of this variant is uncertain due to the absence of conclusive functional and genetic evidence.